The following is an entry in ClinVar:

ClinVar aggregate classification (germline): Uncertain significance (1 of 4 stars; one submission).

Allele frequency attached by ClinVar (database versions not stated): TOPMed below 0.00001.

Submission:

Labcorp Genetics (formerly Invitae), Labcorp
Classification: Uncertain significance. Last evaluated: 2023-08-17. Review status: criteria provided, single submitter. Criteria: Invitae Variant Classification Sherloc (09022015). Collection method: clinical testing. Allele origin: germline.
Comment: This sequence change replaces isoleucine, which is neutral and non-polar, with valine, which is neutral and non-polar, at codon 605 of the ATF6 protein (p.Ile605Val). This variant is not present in population databases (gnomAD no frequency). This variant has not been reported in the literature in individuals affected with ATF6-related conditions. ClinVar contains an entry for this variant (Variation ID: 2006706). Advanced modeling of protein sequence and biophysical properties (such as structural, functional, and spatial information, amino acid conservation, physicochemical variation, residue mobility, and thermodynamic stability) performed at Invitae indicates that this missense variant is not expected to disrupt ATF6 protein function. In summary, the available evidence is currently insufficient to determine the role of this variant in disease. Therefore, it has been classified as a Variant of Uncertain Significance.

NM_007348.4(ATF6):c.1813A>G (p.Ile605Val)

Gene: ATF6 (activating transcription factor 6; plus strand). Cytogenetic location: 1q23.3.
Variant type: single nucleotide variant.
Coding change: c.1813A>G on transcript NM_007348.4 (MANE Select); coding-DNA position 1813, A replaced by G.
Protein change: p.Ile605Val; replaces isoleucine 605 with valine.
Molecular consequence: missense variant.
Genome position (GRCh38, 1-based): chr1:161,958,454, A>G. VCF-style: chr1-161958454-A-G. GRCh37 (hg19) VCF-style: chr1-161928244-A-G.
Other names: c.1810A>G, p.Ile604Val (NM_001410890.1); short protein forms I604V, I605V.
Identifiers: ClinVar variation 2006706 (VCV002006706.4), dbSNP rs1689012057, ClinGen allele CA343388991.